The following is an entry in ClinVar:

ClinVar aggregate classification (germline): Uncertain significance (1 of 4 stars; one submission).

Conditions:
Cardiovascular phenotype. Identifiers: MedGen CN230736.

Submission:

Ambry Genetics
Classification: Uncertain significance for Cardiovascular phenotype. Last evaluated: 2025-09-12. Review status: criteria provided, single submitter. Criteria: Ambry Variant Classification Scheme 2023. Collection method: clinical testing. Allele origin: germline.
Comment: The p.P764L variant (also known as c.2291C>T), located in coding exon 15 of the CBL gene, results from a C to T substitution at nucleotide position 2291. The proline at codon 764 is replaced by leucine, an amino acid with similar properties. This amino acid position is conserved. In addition, this alteration is predicted to be tolerated by in silico analysis. Based on the available evidence, the clinical significance of this variant remains unclear.

NM_005188.4(CBL):c.2291C>T (p.Pro764Leu)

Gene: CBL (Cbl proto-oncogene; plus strand). Cytogenetic location: 11q23.3.
Variant type: single nucleotide variant.
Coding change: c.2291C>T on transcript NM_005188.4 (MANE Select); coding-DNA position 2291, C replaced by T.
Protein change: p.Pro764Leu; replaces proline 764 with leucine.
Molecular consequence: missense variant.
Genome position (GRCh38, 1-based): chr11:119,298,397, C>T. VCF-style: chr11-119298397-C-T. GRCh37 (hg19) VCF-style: chr11-119169107-C-T.
Other names: short protein forms P764L.
Identifiers: ClinVar variation 4219938 (VCV004219938.1).